The following is an entry in ClinVar:

NM_000416.3(IFNGR1):c.58G>C (p.Gly20Arg)

Gene: IFNGR1 (interferon gamma receptor 1; minus strand). Cytogenetic location: 6q23.3.
Variant type: single nucleotide variant.
Coding change: c.58G>C on transcript NM_000416.3 (MANE Select); coding-DNA position 58, G replaced by C.
Protein change: p.Gly20Arg; replaces glycine 20 with arginine.
Molecular consequence: missense variant.
Genome position (GRCh38, 1-based): chr6:137,219,270, C>G on the plus strand (G>C on the coding strand, the complement: IFNGR1 is on the minus strand). VCF-style: chr6-137219270-C-G. GRCh37 (hg19) VCF-style: chr6-137540407-C-G.
Other names: short protein forms G20R.
Identifiers: ClinVar variation 851165 (VCV000851165.11), dbSNP rs765685150, ClinGen allele CA4019102.

ClinVar aggregate classification (germline): Uncertain significance (1 of 4 stars; one submission).

Conditions:
Disseminated atypical mycobacterial infection. Identifiers: MedGen C0694566.

Allele frequency attached by ClinVar (database versions not stated): gnomAD exomes below 0.00001 and 0.00001; ExAC 0.00001; gnomAD 0.00002; TOPMed 0.00002.
gnomAD v4.1: 4 of 1,611,706 alleles (0.00025%); highest among the groups gnomAD compares: African/African-American, 0.004%; no homozygotes.

Submission:

Labcorp Genetics (formerly Invitae), Labcorp
Classification: Uncertain significance for Disseminated atypical mycobacterial infection. Last evaluated: 2019-03-22. Review status: criteria provided, single submitter. Criteria: Invitae Variant Classification Sherloc (09022015). Collection method: clinical testing. Allele origin: germline.
Comment: In summary, the available evidence is currently insufficient to determine the role of this variant in disease. Therefore, it has been classified as a Variant of Uncertain Significance. Algorithms developed to predict the effect of missense changes on protein structure and function are either unavailable or do not agree on the potential impact of this missense change (SIFT: "Deleterious"; PolyPhen-2: "Possibly Damaging"; Align-GVGD: "Class C0"). This variant has not been reported in the literature in individuals with IFNGR1-related conditions. This variant is present in population databases (rs765685150, ExAC 0.01%). This sequence change replaces glycine with arginine at codon 20 of the IFNGR1 protein (p.Gly20Arg). The glycine residue is moderately conserved and there is a moderate physicochemical difference between glycine and arginine.